The following is an entry in ClinVar:

ClinVar aggregate classification (germline): Uncertain significance. Review status: criteria provided, multiple submitters, no conflicts (2 of 4 stars). 3 submissions from 3 submitters: Uncertain significance (3). Last evaluated 2025-11-11.

Conditions:
Inborn genetic diseases. Identifiers: MedGen C0950123, MeSH D030342.
Monocytopenia with susceptibility to infections. Also called: Dendritic cell, monocyte, B lymphocyte, and natural killer lymphocyte deficiency; MONOCYTOPENIA AND MYCOBACTERIAL INFECTION SYNDROME; MONOCYTOPENIA WITH SUSCEPTIBILITY TO MYCOBACTERIAL, FUNGAL, AND PAPILLOMAVIRUS INFECTIONS AND MYELODYSPLASIA; COMBINED IMMUNODEFICIENCY WITH SUSCEPTIBILITY TO MYCOBACTERIAL, VIRAL, AND FUNGAL INFECTIONS; GATA2 DEFICIENCY; IMMUNODEFICIENCY 21. Identifiers: Orphanet 228423, MedGen C3280030, MONDO:0013607, OMIM 614172.
Deafness-lymphedema-leukemia syndrome. Also called: Lymphedema, primary, with myelodysplasia; Emberger syndrome. Identifiers: Orphanet 3226, MedGen C3279664, MONDO:0013540, OMIM 614038.

Allele frequency attached by ClinVar (database versions not stated): gnomAD exomes below 0.00001.

Submissions (3):

Ambry Genetics
Classification: Uncertain significance for Inborn genetic diseases. Last evaluated: 2025-11-11. Review status: criteria provided, single submitter. Criteria: Ambry Variant Classification Scheme 2023. Collection method: clinical testing. Allele origin: germline.
Comment: The p.A75T variant (also known as c.223G>A), located in coding exon 1 of the GATA2 gene, results from a G to A substitution at nucleotide position 223. The alanine at codon 75 is replaced by threonine, an amino acid with similar properties. This amino acid position is conserved. In addition, the in silico prediction for this alteration is inconclusive. Based on the available evidence, the clinical significance of this variant remains unclear.

Labcorp Genetics (formerly Invitae), Labcorp
Classification: Uncertain significance for Monocytopenia with susceptibility to infections; Deafness-lymphedema-leukemia syndrome. Last evaluated: 2023-07-18. Review status: criteria provided, single submitter. Criteria: Invitae Variant Classification Sherloc (09022015). Collection method: clinical testing. Allele origin: germline.
Comment: In summary, the available evidence is currently insufficient to determine the role of this variant in disease. Therefore, it has been classified as a Variant of Uncertain Significance. Advanced modeling of protein sequence and biophysical properties (such as structural, functional, and spatial information, amino acid conservation, physicochemical variation, residue mobility, and thermodynamic stability) performed at Invitae indicates that this missense variant is not expected to disrupt GATA2 protein function. ClinVar contains an entry for this variant (Variation ID: 847522). This variant has not been reported in the literature in individuals affected with GATA2-related conditions. The frequency data for this variant in the population databases is considered unreliable, as metrics indicate poor data quality at this position in the gnomAD database. This sequence change replaces alanine, which is neutral and non-polar, with threonine, which is neutral and polar, at codon 75 of the GATA2 protein (p.Ala75Thr).

Blueprint Genetics
Classification: Uncertain significance. Last evaluated: 2020-09-12. Review status: criteria provided, single submitter. Criteria: ACMG Guidelines, 2015. Collection method: clinical testing. Allele origin: germline.

NM_032638.5(GATA2):c.223G>A (p.Ala75Thr)

Gene: GATA2 (GATA binding protein 2; minus strand). Cytogenetic location: 3q21.3.
Variant type: single nucleotide variant.
Coding change: c.223G>A on transcript NM_032638.5 (MANE Select); coding-DNA position 223, G replaced by A.
Protein change: p.Ala75Thr; replaces alanine 75 with threonine.
Molecular consequence: missense variant.
Genome position (GRCh38, 1-based): chr3:128,486,809, C>T on the plus strand (G>A on the coding strand, the complement: GATA2 is on the minus strand). VCF-style: chr3-128486809-C-T. GRCh37 (hg19) VCF-style: chr3-128205652-C-T.
Other names: c.223G>A, p.Ala75Thr (NM_001145661.2, NM_001145662.1); short protein forms A75T.
Identifiers: ClinVar variation 847522 (VCV000847522.11), dbSNP rs1179893883, ClinGen allele CA354408191.